The following is an entry in ClinVar:

NM_001374736.1(DST):c.20497T>C (p.Ser6833Pro)

Gene: DST (dystonin; minus strand). Cytogenetic location: 6p12.1.
Variant type: single nucleotide variant.
Coding change: c.20497T>C on transcript NM_001374736.1 (MANE Select); coding-DNA position 20497, T replaced by C.
Protein change: p.Ser6833Pro; replaces serine 6833 with proline.
Molecular consequence: missense variant.
Genome position (GRCh38, 1-based): chr6:56,492,987, A>G on the plus strand (T>C on the coding strand, the complement: DST is on the minus strand). VCF-style: chr6-56492987-A-G. GRCh37 (hg19) VCF-style: chr6-56357785-A-G.
Other names: c.14140T>C, p.Ser4714Pro (NM_001144769.5); c.13726T>C, p.Ser4576Pro (NM_001144770.2); c.20497T>C, p.Ser6833Pro (NM_001374722.1); c.19537T>C, p.Ser6513Pro (NM_001374729.1); c.13279T>C, p.Ser4427Pro (NM_001374730.1); c.20524T>C, p.Ser6842Pro (NM_001374734.1); c.13606T>C, p.Ser4536Pro (NM_001386100.1, NM_183380.4); c.12628T>C, p.Ser4210Pro (NM_015548.5); short protein forms S4210P, S4576P, S6513P, S4536P, S6842P, S4427P, S4714P, S6833P.
Identifiers: ClinVar variation 1979374 (VCV001979374.4), dbSNP rs774324323, ClinGen allele CA139187244.

ClinVar aggregate classification (germline): Uncertain significance (1 of 4 stars; one submission).

Conditions:
Hereditary sensory and autonomic neuropathy type 6. Also called: Neuropathy, hereditary sensory and autonomic, type VI; HSAN VI. Identifiers: Orphanet 314381, MedGen C3539003, MONDO:0013839, OMIM 614653.
Epidermolysis bullosa simplex 3, localized or generalized intermediate, with BP230 deficiency (EBS3). Also called: Epidermolysis bullosa simplex, autosomal recessive 2; Epidermolysis bullosa simplex due to BP230 deficiency. Identifiers: Orphanet 412181, MedGen C3809470, MONDO:0014180, OMIM 615425.

Allele frequency attached by ClinVar (database versions not stated): gnomAD exomes below 0.00001; gnomAD 0.00001.
gnomAD v4.1: 5 of 1,612,606 alleles (0.00031%); highest among the groups gnomAD compares: Admixed American, 0.0033%; no homozygotes.

Submission:

Labcorp Genetics (formerly Invitae), Labcorp
Classification: Uncertain significance for Epidermolysis bullosa simplex 3, localized or generalized intermediate, with BP230 deficiency; Hereditary sensory and autonomic neuropathy type 6. Last evaluated: 2022-07-27. Review status: criteria provided, single submitter. Criteria: Invitae Variant Classification Sherloc (09022015). Collection method: clinical testing. Allele origin: germline.
Comment: This sequence change replaces serine, which is neutral and polar, with proline, which is neutral and non-polar, at codon 4210 of the DST protein (p.Ser4210Pro). In summary, the available evidence is currently insufficient to determine the role of this variant in disease. Therefore, it has been classified as a Variant of Uncertain Significance. Experimental studies and prediction algorithms are not available or were not evaluated, and the functional significance of this variant is currently unknown. This variant has not been reported in the literature in individuals affected with DST-related conditions. This variant is not present in population databases (gnomAD no frequency). The DST gene has multiple clinically relevant transcripts. This variant occurs in alternate transcript NM_015548.4, and corresponds to NM_001723.5:c.*122530T>C in the primary transcript.